The following is an entry in ClinVar:

Conditions:
Arteriohepatic dysplasia. Also called: Alagille Syndrome. Identifiers: Orphanet 52, MedGen C0085280, MeSH D016738, MONDO:0007318.

Submission:

Gilbert/Spinner Lab, Children's Hospital of Philadelphia
No classification provided (evidence only). Condition: Alagille syndrome. Review status: no classification provided. Collection method: research. Allele origin: not applicable. Functional consequence: functionally_abnormal.
ClinVar note: "not provided" was previously submitted as the classification for the variant. However, the classification appeared to be based only on an observation of functional data so it was converted to no classification on 2025-07-30.

NM_000214.3(JAG1):c.577G>A (p.Gly193Ser)

Gene: JAG1 (jagged canonical Notch ligand 1; minus strand). Cytogenetic location: 20p12.2.
Variant type: single nucleotide variant.
Coding change: c.577G>A on transcript NM_000214.3 (MANE Select); coding-DNA position 577, G replaced by A.
Protein change: p.Gly193Ser; replaces glycine 193 with serine.
Molecular consequence: missense variant.
Genome position (GRCh38, 1-based): chr20:10,658,585, C>T on the plus strand (G>A on the coding strand, the complement: JAG1 is on the minus strand). VCF-style: chr20-10658585-C-T. GRCh37 (hg19) VCF-style: chr20-10639233-C-T.
Other names: short protein forms G193S.
Identifiers: ClinVar variation 3573338 (VCV003573338.2).